The following is an entry in ClinVar:

NM_019098.5(CNGB3):c.647G>A (p.Arg216Gln)

Gene: CNGB3 (cyclic nucleotide gated channel subunit beta 3; minus strand). Cytogenetic location: 8q21.3.
Variant type: single nucleotide variant.
Coding change: c.647G>A on transcript NM_019098.5 (MANE Select); coding-DNA position 647, G replaced by A.
Protein change: p.Arg216Gln; replaces arginine 216 with glutamine.
Molecular consequence: missense variant.
Genome position (GRCh38, 1-based): chr8:86,667,130, C>T on the plus strand (G>A on the coding strand, the complement: CNGB3 is on the minus strand). VCF-style: chr8-86667130-C-T. GRCh37 (hg19) VCF-style: chr8-87679358-C-T.
Other names: short protein forms R216Q.
Identifiers: ClinVar variation 1445408 (VCV001445408.8), dbSNP rs760287680, ClinGen allele CA4800314.
Genomic context (GRCh38, chr8:86,667,130, plus strand): 5'-ATAAAACAGCAGTTCCAGTTATAGGCAAGAGTGACAAGCAAGAGCCACAGGAGATAGAGT[C>T]GATCTGGAAAAACAGCAAGTGGTGAAATCCAAATGACATAGAACAAACACAGAAAGAATT-3'
Protein context (NP_061971.3, residues 206-226): LPNSIDSYTD[Arg216Gln]LYLLWLLLVT

ClinVar aggregate classification (germline): Uncertain significance. Review status: criteria provided, multiple submitters, no conflicts (2 of 4 stars). 2 submissions from 2 submitters: Uncertain significance (2). Last evaluated 2025-01-20.

Allele frequency attached by ClinVar (database versions not stated): gnomAD exomes 0.00002; ExAC 0.00003.
gnomAD v4.1: 22 of 1,613,538 alleles (0.0014%); highest among the groups gnomAD compares: Middle Eastern, 0.05%; no homozygotes.

Submissions (2):

Labcorp Genetics (formerly Invitae), Labcorp
Classification: Uncertain significance. Last evaluated: 2025-01-20. Review status: criteria provided, single submitter. Criteria: Invitae Variant Classification Sherloc (09022015). Collection method: clinical testing. Allele origin: germline.
Comment: This sequence change replaces arginine, which is basic and polar, with glutamine, which is neutral and polar, at codon 216 of the CNGB3 protein (p.Arg216Gln). This variant is present in population databases (rs760287680, gnomAD 0.01%). This variant has not been reported in the literature in individuals affected with CNGB3-related conditions. ClinVar contains an entry for this variant (Variation ID: 1445408). Invitae Evidence Modeling of protein sequence and biophysical properties (such as structural, functional, and spatial information, amino acid conservation, physicochemical variation, residue mobility, and thermodynamic stability) indicates that this missense variant is not expected to disrupt CNGB3 protein function with a negative predictive value of 95%. In summary, the available evidence is currently insufficient to determine the role of this variant in disease. Therefore, it has been classified as a Variant of Uncertain Significance.

Blueprint Genetics
Classification: Uncertain significance. Last evaluated: 2019-08-02. Review status: criteria provided, single submitter. Criteria: ACMG Guidelines, 2015. Collection method: clinical testing. Allele origin: germline.